The following is an entry in ClinVar:

NM_000528.4(MAN2B1):c.946A>G (p.Met316Val)

Gene: MAN2B1 (mannosidase alpha class 2B member 1; minus strand). Cytogenetic location: 19p13.13.
Variant type: single nucleotide variant.
Coding change: c.946A>G on transcript NM_000528.4 (MANE Select); coding-DNA position 946, A replaced by G.
Protein change: p.Met316Val; replaces methionine 316 with valine.
Molecular consequence: missense variant.
Genome position (GRCh38, 1-based): chr19:12,661,340, T>C on the plus strand (A>G on the coding strand, the complement: MAN2B1 is on the minus strand). VCF-style: chr19-12661340-T-C. GRCh37 (hg19) VCF-style: chr19-12772154-T-C.
Other names: c.946A>G (NM_000528.3); c.946A>G, p.Met316Val (NM_001173498.2); short protein forms M316V.
Identifiers: ClinVar variation 1403627 (VCV001403627.6), dbSNP rs373636903, ClinGen allele CA305473740.

ClinVar aggregate classification (germline): Uncertain significance. Review status: criteria provided, multiple submitters, no conflicts (2 of 4 stars). 2 submissions from 2 submitters: Uncertain significance (2). Last evaluated 2025-06-07.

Conditions:
Deficiency of alpha-mannosidase (MANSA). Also called: Mannosidosis, alpha-, types I and II; Alpha-Mannosidosis; LYSOSOMAL ALPHA-D-MANNOSIDASE DEFICIENCY. Identifiers: Orphanet 61, MedGen C0024748, MONDO:0009561, OMIM 248500.
Inborn genetic diseases. Identifiers: MedGen C0950123, MeSH D030342.

Allele frequency attached by ClinVar (database versions not stated): gnomAD 0.00001; gnomAD exomes 0.00001; TOPMed 0.00001; ESP Exome Variant Server 0.00008.
gnomAD v4.1: 10 of 1,613,840 alleles (0.00062%); highest among the groups gnomAD compares: Non-Finnish European, 0.00076%; no homozygotes.

Submissions (2):

Ambry Genetics
Classification: Uncertain significance for Inborn genetic diseases. Last evaluated: 2025-06-07. Review status: criteria provided, single submitter. Criteria: Ambry Variant Classification Scheme 2023. Collection method: clinical testing. Allele origin: germline.

Labcorp Genetics (formerly Invitae), Labcorp
Classification: Uncertain significance for Deficiency of alpha-mannosidase. Last evaluated: 2021-08-30. Review status: criteria provided, single submitter. Criteria: Invitae Variant Classification Sherloc (09022015). Collection method: clinical testing. Allele origin: germline.
Comment: This sequence change replaces methionine with valine at codon 316 of the MAN2B1 protein (p.Met316Val). The methionine residue is highly conserved and there is a small physicochemical difference between methionine and valine. This variant is not present in population databases (ExAC no frequency). This variant has not been reported in the literature in individuals affected with MAN2B1-related conditions. Algorithms developed to predict the effect of missense changes on protein structure and function are either unavailable or do not agree on the potential impact of this missense change (SIFT: "Deleterious"; PolyPhen-2: "Probably Damaging"; Align-GVGD: "Class C15"). In summary, the available evidence is currently insufficient to determine the role of this variant in disease. Therefore, it has been classified as a Variant of Uncertain Significance.